The following is an entry in ClinVar:

ClinVar aggregate classification (germline): Benign. Review status: criteria provided, multiple submitters, no conflicts (2 of 4 stars). 2 submissions from 2 submitters: Benign (2). Last evaluated 2018-01-13.

Conditions:
Gamma-aminobutyric acid transaminase deficiency (GABATD). Also called: GABA aminotransaminase deficiency; GABA transaminase deficiency; Gamma aminobutyrate transaminase deficiency; 4 alpha aminobutyrate transaminase deficiency. Identifiers: Orphanet 2066, MedGen C0342708, MONDO:0013166, OMIM 613163.

Allele frequency attached by ClinVar (database versions not stated): gnomAD exomes 0.00162; gnomAD 0.01263 and 0.01330; TOPMed 0.01417; 1000 Genomes Project 0.01777; 1000 Genomes Project 30x 0.01780.
gnomAD v4.1: 4,050 of 1,388,466 alleles (0.29%); highest among the groups gnomAD compares: African/African-American, 4.4%; 78 homozygotes.

Submissions (2):

Illumina Laboratory Services, Illumina
Classification: Benign for Gamma-aminobutyric acid transaminase deficiency. Last evaluated: 2018-01-13. Review status: criteria provided, single submitter. Criteria: ICSL Variant Classification Criteria 13 December 2019. Collection method: clinical testing. Allele origin: germline.
Comment: This variant was observed in the ICSL laboratory as part of a predisposition screen in an ostensibly healthy population. It had not been previously curated by ICSL or reported in the Human Gene Mutation Database (HGMD: prior to June 1st, 2018), and was therefore a candidate for classification through an automated scoring system. Utilizing variant allele frequency, disease prevalence and penetrance estimates, and inheritance mode, an automated score was calculated to assess if this variant is too frequent to cause the disease. Based on the score and internal cut-off values, a variant classified as benign is not then subjected to further curation. The score for this variant resulted in a classification of benign for this disease.

Breakthrough Genomics
Classification: Benign. Review status: criteria provided, single submitter. Criteria: ACMG Guidelines, 2015. Collection method: not provided. Allele origin: germline. Inheritance: Autosomal recessive inheritance. Affected: yes.

NM_020686.6(ABAT):c.*99G>C

Gene: ABAT (4-aminobutyrate aminotransferase; plus strand). Cytogenetic location: 16p13.2.
Variant type: single nucleotide variant.
Coding change: c.*99G>C on transcript NM_020686.6 (MANE Select); 99 bases downstream of the stop codon, G replaced by C.
Molecular consequence: 3 prime UTR variant.
Genome position (GRCh38, 1-based): chr16:8,781,529, G>C. VCF-style: chr16-8781529-G-C. GRCh37 (hg19) VCF-style: chr16-8875386-G-C.
Other names: c.*99G>C (NM_000663.5, NM_001127448.2, NM_001386600.1 and 14 more transcripts); c.*113G>C (NM_001386609.1, NM_001386616.1).
Identifiers: ClinVar variation 321092 (VCV000321092.6), dbSNP rs76717569, ClinGen allele CA10644435.